The following is an entry in ClinVar:

ClinVar aggregate classification (germline): Likely benign. Review status: criteria provided, multiple submitters, no conflicts (2 of 4 stars). 6 submissions from 6 submitters: Likely benign (6). Last evaluated 2025-10-23.

Conditions:
TPM1-related disorder. Also called: TPM1-related condition.
Cardiovascular phenotype. Identifiers: MedGen CN230736.
Cardiomyopathy (CMYO). Also called: Cardiomyopathies. Identifiers: Orphanet 167848, MedGen C0878544, MONDO:0004994, HP:0001638. Inheritance: Various modes of inheritance.
Hypertrophic cardiomyopathy. Also called: HYPERTROPHIC MYOCARDIOPATHY. Identifiers: Orphanet 217569, MedGen C0007194, MeSH D002312, MONDO:0005045, HP:0001639.

Allele frequency attached by ClinVar (database versions not stated): ExAC 0.00001; gnomAD exomes 0.00001 and 0.00004; TOPMed 0.00002.
gnomAD v4.1: 17 of 1,614,038 alleles (0.0011%); highest among the groups gnomAD compares: Admixed American, 0.0083%; no homozygotes.

Submissions (6):

Labcorp Genetics (formerly Invitae), Labcorp
Classification: Likely benign for Hypertrophic cardiomyopathy. Last evaluated: 2025-10-23. Review status: criteria provided, single submitter. Criteria: Invitae Variant Classification Sherloc (09022015). Collection method: clinical testing. Allele origin: germline.

PreventionGenetics, part of Exact Sciences
Classification: Likely benign for TPM1-related condition. Last evaluated: 2025-10-02. Review status: criteria provided, single submitter. Criteria: ACMG Guidelines, 2015. Collection method: clinical testing. Allele origin: germline.
Comment: This variant is classified as likely benign based on ACMG/AMP sequence variant interpretation guidelines (Richards et al. 2015 PMID: 25741868, with internal and published modifications).

All of Us Research Program, National Institutes of Health
Classification: Likely benign for Hypertrophic cardiomyopathy. Last evaluated: 2024-02-05. Review status: criteria provided, single submitter. Criteria: ACMG Guidelines, 2015. Collection method: clinical testing. Allele origin: germline. Inheritance: Autosomal dominant inheritance. Observed: 5 variant alleles, 5 heterozygotes.
Comment: This study involves interpretation of variants in research participants for the purpose of population health screening. Participant phenotype was not available at the time of variant classification. Additional details can be found in publication PMID: 35346344, PMCID: PMC8962531

Color Diagnostics, LLC DBA Color Health
Classification: Likely benign for Cardiomyopathy. Last evaluated: 2021-02-18. Review status: criteria provided, single submitter. Criteria: ACMG Guidelines, 2015. Collection method: clinical testing. Allele origin: germline.

Blueprint Genetics
Classification: Likely benign. Last evaluated: 2020-10-30. Review status: criteria provided, single submitter. Criteria: ACMG Guidelines, 2015. Collection method: clinical testing. Allele origin: germline.

Ambry Genetics
Classification: Likely benign for Cardiovascular phenotype. Last evaluated: 2020-10-13. Review status: criteria provided, single submitter. Criteria: Ambry Variant Classification Scheme 2023. Collection method: clinical testing. Allele origin: germline.

NM_001018005.2(TPM1):c.687C>T (p.Ser229=)

Gene: TPM1 (tropomyosin 1; plus strand). Cytogenetic location: 15q22.2.
Variant type: single nucleotide variant.
Coding change: c.687C>T on transcript NM_001018005.2 (MANE Select); coding-DNA position 687, C replaced by T.
Protein change: p.Ser229=; no amino-acid change (serine 229 retained).
Molecular consequence: synonymous variant.
Genome position (GRCh38, 1-based): chr15:63,062,262, C>T. VCF-style: chr15-63062262-C-T. GRCh37 (hg19) VCF-style: chr15-63354461-C-T.
Other names: c.687C>T (NM_001018020.1); c.687C>T, p.Ser229= (NM_000366.6, NM_001018004.2, NM_001018006.2 and 6 more transcripts); c.579C>T, p.Ser193= (NM_001018008.2, NM_001301289.2, NM_001330344.2 and 5 more transcripts); c.813C>T, p.Ser271= (NM_001365778.1).
Identifiers: ClinVar variation 454420 (VCV000454420.15), dbSNP rs759362606, ClinGen allele CA031344.